The following is an entry in ClinVar:

NM_000116.5(TAFAZZIN):c.541+3C>G

Gene: TAFAZZIN (tafazzin, phospholipid-lysophospholipid transacylase; plus strand). Cytogenetic location: Xq28.
Variant type: single nucleotide variant.
Coding change: c.541+3C>G on transcript NM_000116.5 (MANE Select); 3 bases into the intron after coding-DNA position 541, C replaced by G.
Molecular consequence: intron variant.
Genome position (GRCh38, 1-based): chrX:154,419,626, C>G. VCF-style: chrX-154419626-C-G. GRCh37 (hg19) VCF-style: chrX-153647965-C-G.
Other names: c.595+3C>G (NM_001303465.2); c.541+3C>G (NM_181312.4); c.451+3C>G (NM_181311.4, NM_181313.4).
Identifiers: ClinVar variation 518567 (VCV000518567.7), dbSNP rs1557193865, ClinGen allele CA658799907.

ClinVar aggregate classification (germline): Uncertain significance. Review status: criteria provided, multiple submitters, no conflicts (2 of 4 stars). 2 submissions from 2 submitters: Uncertain significance (2). Last evaluated 2025-08-22.

Conditions:
3-Methylglutaconic aciduria type 2 (BTHS). Also called: CARDIOSKELETAL MYOPATHY WITH NEUTROPENIA AND ABNORMAL MITOCHONDRIA; Barth syndrome. Identifiers: Orphanet 111, MedGen C0574083, MONDO:0010543, OMIM 302060.
Cardiovascular phenotype. Identifiers: MedGen CN230736.

Allele frequency attached by ClinVar (database versions not stated): gnomAD exomes below 0.00001.
gnomAD v4.1: 1 of 1,212,193 alleles (0.000082%); highest among the groups gnomAD compares: Non-Finnish European, 0.00011%; no homozygotes.

Submissions (2):

Labcorp Genetics (formerly Invitae), Labcorp
Classification: Uncertain significance for 3-Methylglutaconic aciduria type 2. Last evaluated: 2025-08-22. Review status: criteria provided, single submitter. Criteria: Invitae Variant Classification Sherloc (09022015). Collection method: clinical testing. Allele origin: germline.
Comment: This sequence change falls in intron 6 of the TAZ gene. It does not directly change the encoded amino acid sequence of the TAZ protein. It affects a nucleotide within the consensus splice site. This variant is not present in population databases (gnomAD no frequency). This variant has not been reported in the literature in individuals affected with TAZ-related conditions. ClinVar contains an entry for this variant (Variation ID: 518567). Variants that disrupt the consensus splice site are a relatively common cause of aberrant splicing (PMID: 17576681, 9536098). Algorithms developed to predict the effect of sequence changes on RNA splicing suggest that this variant is not likely to affect RNA splicing. In summary, the available evidence is currently insufficient to determine the role of this variant in disease. Therefore, it has been classified as a Variant of Uncertain Significance.

Ambry Genetics
Classification: Uncertain significance for Cardiovascular phenotype. Last evaluated: 2016-10-21. Review status: criteria provided, single submitter. Criteria: Ambry Variant Classification Scheme 2023. Collection method: clinical testing. Allele origin: germline.
Comment: The c.541+3C>G intronic variant results from a C to G substitution 3 nucleotides downstream of coding exon 6 in the TAZ gene. This variant was not reported in population based cohorts in the following databases: Database of Single Nucleotide Polymorphisms (dbSNP), NHLBI Exome Sequencing Project (ESP), and 1000 Genomes Project. In the ESP, this variant was not observed in 6503 samples with coverage at this position. This nucleotide position is not well conserved in available vertebrate species, and G is the reference nucleotide in other vertebrate species. Using the BDGP and ESEfinder splice site prediction tools, this alteration is not predicted to have any significant effect on this splice donor site; however, direct evidence is unavailable. Since supporting evidence is limited at this time, the clinical significance of this alteration remains unclear.

Literature cited by the submitters: PubMed 17576681 (cited by Labcorp Genetics (formerly Invitae), Labcorp); PubMed 9536098 (cited by Labcorp Genetics (formerly Invitae), Labcorp).